The following is an entry in ClinVar:

NM_017636.4(TRPM4):c.812T>C (p.Ile271Thr)

Gene: TRPM4 (transient receptor potential cation channel subfamily M member 4; plus strand). Cytogenetic location: 19q13.33.
Variant type: single nucleotide variant.
Coding change: c.812T>C on transcript NM_017636.4 (MANE Select); coding-DNA position 812, T replaced by C.
Protein change: p.Ile271Thr; replaces isoleucine 271 with threonine.
Molecular consequence: missense variant. On other transcripts: 5 prime UTR variant (2).
Genome position (GRCh38, 1-based): chr19:49,171,372, T>C. VCF-style: chr19-49171372-T-C. GRCh37 (hg19) VCF-style: chr19-49674629-T-C.
Other names: c.812T>C, p.Ile271Thr (NM_001195227.2); c.467T>C, p.Ile156Thr (NM_001321281.2); c.-742T>C (NM_001321282.2); c.290T>C, p.Ile97Thr (NM_001321283.2); c.-38T>C (NM_001321285.2); short protein forms I156T, I271T, I97T.
Identifiers: ClinVar variation 4743572 (VCV004743572.1).

ClinVar aggregate classification (germline): Uncertain significance (1 of 4 stars; one submission).

Conditions:
Progressive familial heart block type IB (PFHB1B). Identifiers: Orphanet 871, MedGen C1970298, MONDO:0011474, OMIM 604559.

gnomAD v4.1: 1 of 1,613,986 alleles (0.000062%); highest among the groups gnomAD compares: East Asian, 0.0022%; no homozygotes.

Submission:

Labcorp Genetics (formerly Invitae), Labcorp
Classification: Uncertain significance for Progressive familial heart block type IB. Last evaluated: 2025-05-05. Review status: criteria provided, single submitter. Criteria: Invitae Variant Classification Sherloc (09022015). Collection method: clinical testing. Allele origin: germline.
Comment: This sequence change replaces isoleucine, which is neutral and non-polar, with threonine, which is neutral and polar, at codon 271 of the TRPM4 protein (p.Ile271Thr). This variant is present in population databases (rs750086956, gnomAD 0.006%). This variant has not been reported in the literature in individuals affected with TRPM4-related conditions. An algorithm developed to predict the effect of missense changes on protein structure and function (PolyPhen-2) suggests that this variant is likely to be disruptive. In summary, the available evidence is currently insufficient to determine the role of this variant in disease. Therefore, it has been classified as a Variant of Uncertain Significance.